The following is an entry in ClinVar:

ClinVar aggregate classification (germline): Uncertain significance (1 of 4 stars; one submission).

Submission:

Labcorp Genetics (formerly Invitae), Labcorp
Classification: Uncertain significance. Last evaluated: 2024-12-02. Review status: criteria provided, single submitter. Criteria: Invitae Variant Classification Sherloc (09022015). Collection method: clinical testing. Allele origin: germline.
Comment: This sequence change replaces alanine, which is neutral and non-polar, with aspartic acid, which is acidic and polar, at codon 503 of the RHOBTB2 protein (p.Ala503Asp). This variant is not present in population databases (gnomAD no frequency). This variant has not been reported in the literature in individuals affected with RHOBTB2-related conditions. ClinVar contains an entry for this variant (Variation ID: 2837968). Invitae Evidence Modeling of protein sequence and biophysical properties (such as structural, functional, and spatial information, amino acid conservation, physicochemical variation, residue mobility, and thermodynamic stability) indicates that this missense variant is not expected to disrupt RHOBTB2 protein function with a negative predictive value of 80%. In summary, the available evidence is currently insufficient to determine the role of this variant in disease. Therefore, it has been classified as a Variant of Uncertain Significance.

NM_015178.3(RHOBTB2):c.1442C>A (p.Ala481Asp)

Gene: RHOBTB2 (Rho related BTB domain containing 2; plus strand). Cytogenetic location: 8p21.3.
Variant type: single nucleotide variant.
Coding change: c.1442C>A on transcript NM_015178.3 (MANE Select); coding-DNA position 1442, C replaced by A.
Protein change: p.Ala481Asp; replaces alanine 481 with aspartic acid.
Molecular consequence: missense variant.
Genome position (GRCh38, 1-based): chr8:23,007,687, C>A. VCF-style: chr8-23007687-C-A. GRCh37 (hg19) VCF-style: chr8-22865200-C-A.
Other names: c.1508C>A, p.Ala503Asp (NM_001160036.2); c.1463C>A, p.Ala488Asp (NM_001160037.2); c.1442C>A, p.Ala481Asp (NM_001374791.1); short protein forms A488D, A481D, A503D.
Identifiers: ClinVar variation 2837968 (VCV002837968.3), dbSNP rs2487014477, ClinGen allele CA370569305.
Genomic context (GRCh38, chr8:23,007,687, plus strand): 5'-GCATGATGGTGGCCAACATTCTCAACAATGAGGCCTTCATGAACCAGGAGATCACCAAGG[C>A]CTTCCACGTCCGCCGGACCAACCGGGTTAAGGAGTGCTTGGCAAAAGGCACCTTCTCAGG-3'
Protein context (NP_055993.2, residues 471-491): EAFMNQEITK[Ala481Asp]FHVRRTNRVK